The following is an entry in ClinVar:

ClinVar aggregate classification (germline): Uncertain significance (1 of 4 stars; one submission).

Conditions:
Adenosine kinase deficiency. Also called: Hypermethioninemia due to adenosine kinase deficiency; MENTAL RETARDATION, AUTOSOMAL RECESSIVE 8. Identifiers: Orphanet 289290, Orphanet 88616, MedGen C4706555, MONDO:0100255, OMIM 614300.

gnomAD v4.1: 10 of 1,611,260 alleles (0.00062%); highest among the groups gnomAD compares: East Asian, 0.0045%; no homozygotes.

Submission:

Department of Genetics, Sultan Qaboos University Hospital
Classification: Uncertain significance for Adenosine kinase deficiency. Last evaluated: 2026-04-01. Review status: criteria provided, single submitter. Criteria: ACMG Guidelines, 2015. Collection method: clinical testing. Allele origin: germline. Affected: yes. Observed: 1 variant allele.
Comment: PM2_Supporting, PP3_Moderate, PP4_Supporting

NM_006721.4(ADK):c.830G>A (p.Arg277Gln)

Gene: ADK (adenosine kinase; plus strand). Cytogenetic location: 10q22.2.
Variant type: single nucleotide variant.
Coding change: c.830G>A on transcript NM_006721.4 (MANE Select); coding-DNA position 830, G replaced by A.
Protein change: p.Arg277Gln; replaces arginine 277 with glutamine.
Molecular consequence: missense variant. On other transcripts: intron variant (1).
Genome position (GRCh38, 1-based): chr10:74,600,446, G>A. VCF-style: chr10-74600446-G-A. GRCh37 (hg19) VCF-style: chr10-76360204-G-A.
Other names: c.779G>A, p.Arg260Gln (NM_001123.4); c.725G>A, p.Arg242Gln (NM_001202449.2); c.659G>A, p.Arg220Gln (NM_001202450.2); c.608G>A, p.Arg203Gln (NM_001369124.1); c.762+11129G>A (NM_001369123.1); short protein forms R203Q, R220Q, R242Q, R260Q, R277Q.
Identifiers: ClinVar variation 4852421 (VCV004852421.1).